The following is an entry in ClinVar:

ClinVar aggregate classification (germline): Pathogenic (1 of 4 stars; one submission).

Conditions:
Holoprosencephaly 2 (HPE2). Identifiers: Orphanet 2162, MedGen C1834877, MONDO:0007999, OMIM 157170.

Submission:

Labcorp Genetics (formerly Invitae), Labcorp
Classification: Pathogenic for Holoprosencephaly 2. Last evaluated: 2018-01-07. Review status: criteria provided, single submitter. Criteria: Invitae Variant Classification Sherloc (09022015). Collection method: clinical testing. Allele origin: germline.
Comment: For these reasons, this variant has been classified as Pathogenic. Loss-of-function variants in SIX3 are known to be pathogenic (PMID: 10369266, 18791198). This variant has not been reported in the literature in individuals with SIX3-related disease. This variant is not present in population databases (ExAC no frequency). This sequence change creates a premature translational stop signal (p.Trp169*) in the SIX3 gene. It is expected to result in an absent or disrupted protein product.

Literature cited by the submitters: PubMed 10369266; PubMed 18791198.

NM_005413.4(SIX3):c.507G>A (p.Trp169Ter)

Gene: SIX3 (SIX homeobox 3; plus strand). Cytogenetic location: 2p21.
Variant type: single nucleotide variant.
Coding change: c.507G>A on transcript NM_005413.4 (MANE Select); coding-DNA position 507, G replaced by A.
Protein change: p.Trp169Ter; replaces tryptophan 169 with a stop codon.
Molecular consequence: nonsense.
Genome position (GRCh38, 1-based): chr2:44,942,611, G>A. VCF-style: chr2-44942611-G-A. GRCh37 (hg19) VCF-style: chr2-45169750-G-A.
Other names: short protein forms W169*.
Identifiers: ClinVar variation 579427 (VCV000579427.6), dbSNP rs1558420022, ClinGen allele CA346799737.